The following is an entry in ClinVar:

ClinVar aggregate classification (germline): Uncertain significance (1 of 4 stars; one submission).

gnomAD v4.1: 7 of 1,613,856 alleles (0.00043%); highest among the groups gnomAD compares: Non-Finnish European, 0.00059%; no homozygotes.

Submission:

Women's Health and Genetics/Laboratory Corporation of America, LabCorp
Classification: Uncertain significance. Last evaluated: 2024-04-12. Review status: criteria provided, single submitter. Criteria: LabCorp Variant Classification Summary - May 2015. Collection method: clinical testing. Allele origin: germline.
Comment: Variant summary: ABCA3 c.4253A>T (p.Asn1418Ile) results in a non-conservative amino acid change located in the ABC transporter-like, ATP-binding domain (IPR003439) of the encoded protein sequence. Five of five in-silico tools predict a damaging effect of the variant on protein function. The variant allele was found at a frequency of 4e-06 in 251356 control chromosomes. The available data on variant occurrences in the general population are insufficient to allow any conclusion about variant significance. c.4253A>T has been reported in the literature as a heterozygous genotype in an individual with sporadic Cataract-microcornea syndrome (CCMC) (Chen_2014), a phenotype that to our knowledge, has not been prominently recognized among ABCA3 spectrum of disorders. These report(s) do not provide unequivocal conclusions about association of the variant with recessive Pulmonary surfactant metabolism dysfunction. To our knowledge, no experimental evidence demonstrating an impact on protein function has been reported. No submitters have cited clinical-significance assessments for this variant to ClinVar. Based on the evidence outlined above, the variant was classified as uncertain significance.

Literature cited by the submitters: PubMed 25406294.

NM_001089.3(ABCA3):c.4253A>T (p.Asn1418Ile)

Gene: ABCA3 (ATP binding cassette subfamily A member 3; minus strand). Cytogenetic location: 16p13.3.
Variant type: single nucleotide variant.
Coding change: c.4253A>T on transcript NM_001089.3 (MANE Select); coding-DNA position 4253, A replaced by T.
Protein change: p.Asn1418Ile; replaces asparagine 1418 with isoleucine.
Molecular consequence: missense variant.
Genome position (GRCh38, 1-based): chr16:2,281,133, T>A on the plus strand (A>T on the coding strand, the complement: ABCA3 is on the minus strand). VCF-style: chr16-2281133-T-A. GRCh37 (hg19) VCF-style: chr16-2331134-T-A.
Other names: short protein forms N1418I.
Identifiers: ClinVar variation 3251334 (VCV003251334.1), dbSNP rs147036502.